The following is an entry in ClinVar:

ClinVar aggregate classification (germline): Uncertain significance (1 of 4 stars; one submission).

Allele frequency attached by ClinVar (database versions not stated): 1000 Genomes Project 30x 0.00031.
gnomAD v4.1: 4 of 1,504,160 alleles (0.00027%); highest among the groups gnomAD compares: East Asian, 0.0026%; no homozygotes.

Submission:

Labcorp Genetics (formerly Invitae), Labcorp
Classification: Uncertain significance. Last evaluated: 2022-01-20. Review status: criteria provided, single submitter. Criteria: Invitae Variant Classification Sherloc (09022015). Collection method: clinical testing. Allele origin: germline.
Comment: In summary, the available evidence is currently insufficient to determine the role of this variant in disease. Therefore, it has been classified as a Variant of Uncertain Significance. Algorithms developed to predict the effect of missense changes on protein structure and function output the following: SIFT: "Tolerated"; PolyPhen-2: "Benign"; Align-GVGD: "Class C0". The serine amino acid residue is found in multiple mammalian species, which suggests that this missense change does not adversely affect protein function. This variant has not been reported in the literature in individuals affected with SAMD11-related conditions. This variant is not present in population databases (gnomAD no frequency). This sequence change replaces proline, which is neutral and non-polar, with serine, which is neutral and polar, at codon 420 of the SAMD11 protein (p.Pro420Ser).

NM_001385641.1(SAMD11):c.1747C>T (p.Pro583Ser)

Gene: SAMD11 (sterile alpha motif domain containing 11; plus strand). Cytogenetic location: 1p36.33.
Variant type: single nucleotide variant.
Coding change: c.1747C>T on transcript NM_001385641.1 (MANE Select); coding-DNA position 1747, C replaced by T.
Protein change: p.Pro583Ser; replaces proline 583 with serine.
Molecular consequence: missense variant.
Genome position (GRCh38, 1-based): chr1:942,752, C>T. VCF-style: chr1-942752-C-T. GRCh37 (hg19) VCF-style: chr1-878132-C-T.
Other names: c.1750C>T, p.Pro584Ser (NM_001385640.1); c.1258C>T, p.Pro420Ser (NM_152486.4); short protein forms P420S, P583S, P584S.
Identifiers: ClinVar variation 2088345 (VCV002088345.4), dbSNP rs978817347, ClinGen allele CA16725016.